The following is an entry in ClinVar:

ClinVar aggregate classification (germline): Uncertain significance (0 of 4 stars; one submission).

Submission:

Leiden Open Variation Database
Classification: Uncertain significance. Last evaluated: 2018-08-25. Review status: no assertion criteria provided. Collection method: curation. Allele origin: germline. Affected: yes.
Comment: Curators: Marc Tischkowitz, Arleen D. Auerbach. Submitter to LOVD: Yukihide Momozawa.

Literature cited by the submitters: PubMed 30287823.

NM_024675.4(PALB2):c.3134T>A (p.Leu1045His)

Gene: PALB2 (partner and localizer of BRCA2; minus strand). Cytogenetic location: 16p12.2.
Variant type: single nucleotide variant.
Coding change: c.3134T>A on transcript NM_024675.4 (MANE Select); coding-DNA position 3134, T replaced by A.
Protein change: p.Leu1045His; replaces leucine 1045 with histidine.
Molecular consequence: missense variant.
Genome position (GRCh38, 1-based): chr16:23,614,071, A>T on the plus strand (T>A on the coding strand, the complement: PALB2 is on the minus strand). VCF-style: chr16-23614071-A-T. GRCh37 (hg19) VCF-style: chr16-23625392-A-T.
Other names: short protein forms L1045H.
Identifiers: ClinVar variation 830195 (VCV000830195.1), dbSNP rs1966636462, ClinGen allele CA395141395.